The following is an entry in ClinVar:

NM_022916.6(VPS33A):c.600+134A>G

Gene: VPS33A (VPS33A core subunit of CORVET and HOPS complexes; minus strand). Cytogenetic location: 12q24.31.
Variant type: single nucleotide variant.
Coding change: c.600+134A>G on transcript NM_022916.6 (MANE Select); 134 bases into the intron after coding-DNA position 600, A replaced by G.
Molecular consequence: intron variant.
Genome position (GRCh38, 1-based): chr12:122,250,849, T>C on the plus strand (A>G on the coding strand, the complement: VPS33A is on the minus strand). VCF-style: chr12-122250849-T-C. GRCh37 (hg19) VCF-style: chr12-122735396-T-C.
Other names: c.600+134A>G (NM_001351020.2); c.567+134A>G (NM_001351018.2); c.552+134A>G (NM_001351019.2).
Identifiers: ClinVar variation 1706656 (VCV001706656.2), dbSNP rs559574187, ClinGen allele CA244697568.

ClinVar aggregate classification (germline): Likely benign (1 of 4 stars; one submission).

Allele frequency attached by ClinVar (database versions not stated): gnomAD exomes 0.00037; 1000 Genomes Project 0.00300; 1000 Genomes Project 30x 0.00328; gnomAD 0.00335; TOPMed 0.00364.
gnomAD v4.1: 711 of 692,248 alleles (0.1%); highest among the groups gnomAD compares: African/African-American, 1.1%; 8 homozygotes.

Submission:

GeneDx
Classification: Likely benign. Last evaluated: 2020-02-24. Review status: criteria provided, single submitter. Criteria: GeneDx Variant Classification Process June 2021. Collection method: clinical testing. Allele origin: germline. Affected: yes.
Comment: See Variant Classification Assertion Criteria.